The following is an entry in ClinVar:

ClinVar aggregate classification (germline): Uncertain significance. Review status: criteria provided, multiple submitters, no conflicts (2 of 4 stars). 2 submissions from 2 submitters: Uncertain significance (2). Last evaluated 2026-03-17.

Conditions:
Hereditary cancer-predisposing syndrome. Also called: Neoplastic Syndromes, Hereditary; Tumor predisposition; Hereditary Cancer Syndrome; Hereditary neoplastic syndrome. Identifiers: Orphanet 140162, MedGen C0027672, MeSH D009386, MONDO:0015356.

Submissions (2):

Ambry Genetics
Classification: Uncertain significance for Hereditary cancer-predisposing syndrome. Last evaluated: 2026-03-17. Review status: criteria provided, single submitter. Criteria: Ambry Variant Classification Scheme 2023. Collection method: clinical testing. Allele origin: germline.
Comment: The p.L203P variant (also known as c.608T>C), located in coding exon 5 of the POT1 gene, results from a T to C substitution at nucleotide position 608. The leucine at codon 203 is replaced by proline, an amino acid with similar properties. This amino acid position is conserved. In addition, the in silico prediction for this alteration is inconclusive. Based on the available evidence, the clinical significance of this variant remains unclear.

GeneDx
Classification: Uncertain significance. Last evaluated: 2023-12-28. Review status: criteria provided, single submitter. Criteria: GeneDx Variant Classification Process June 2021. Collection method: clinical testing. Allele origin: germline. Affected: yes.
Comment: Not observed at significant frequency in large population cohorts (gnomAD); In silico analysis supports that this missense variant has a deleterious effect on protein structure/function; Has not been previously published as pathogenic or benign to our knowledge; This variant is associated with the following publications: (PMID: 28393830)

NM_015450.3(POT1):c.608T>C (p.Leu203Pro)

Gene: POT1 (protection of telomeres 1; minus strand). Cytogenetic location: 7q31.33.
Variant type: single nucleotide variant.
Coding change: c.608T>C on transcript NM_015450.3 (MANE Select); coding-DNA position 608, T replaced by C.
Protein change: p.Leu203Pro; replaces leucine 203 with proline.
Molecular consequence: missense variant. On other transcripts: non-coding transcript variant (3).
Genome position (GRCh38, 1-based): chr7:124,859,051, A>G on the plus strand (T>C on the coding strand, the complement: POT1 is on the minus strand). VCF-style: chr7-124859051-A-G. GRCh37 (hg19) VCF-style: chr7-124499105-A-G.
Other names: c.215T>C, p.Leu72Pro (NM_001042594.2); short protein forms L203P, L72P.
Identifiers: ClinVar variation 3367266 (VCV003367266.2).